The following is an entry in ClinVar:

ClinVar aggregate classification (germline): Uncertain significance (1 of 4 stars; one submission).

Conditions:
Cardiovascular phenotype. Identifiers: MedGen CN230736.

gnomAD v4.1: 9 of 1,612,482 alleles (0.00056%); highest among the groups gnomAD compares: South Asian, 0.0099%; no homozygotes.

Submission:

Ambry Genetics
Classification: Uncertain significance for Cardiovascular phenotype. Last evaluated: 2025-05-08. Review status: criteria provided, single submitter. Criteria: Ambry Variant Classification Scheme 2023. Collection method: clinical testing. Allele origin: germline.
Comment: The p.A604D variant (also known as c.1811C>A), located in coding exon 10 of the JUP gene, results from a C to A substitution at nucleotide position 1811. The alanine at codon 604 is replaced by aspartic acid, an amino acid with dissimilar properties. This amino acid position is conserved. In addition, this alteration is predicted to be deleterious by in silico analysis. Based on the available evidence, the clinical significance of this variant remains unclear.

NM_002230.4(JUP):c.1811C>A (p.Ala604Asp)

Gene: JUP (junction plakoglobin; minus strand). Cytogenetic location: 17q21.2.
Variant type: single nucleotide variant.
Coding change: c.1811C>A on transcript NM_002230.4 (MANE Select); coding-DNA position 1811, C replaced by A.
Protein change: p.Ala604Asp; replaces alanine 604 with aspartic acid.
Molecular consequence: missense variant.
Genome position (GRCh38, 1-based): chr17:41,757,747, G>T on the plus strand (C>A on the coding strand, the complement: JUP is on the minus strand). VCF-style: chr17-41757747-G-T. GRCh37 (hg19) VCF-style: chr17-39913999-G-T.
Other names: c.1811C>A, p.Ala604Asp (NM_001352773.2, NM_001352774.2, NM_001352775.2 and 3 more transcripts); short protein forms A604D.
Identifiers: ClinVar variation 4040989 (VCV004040989.1).